The following is an entry in ClinVar:

NM_001189.4(NKX3-2):c.295G>T (p.Glu99Ter)

Gene: NKX3-2 (NK3 homeobox 2; minus strand). Cytogenetic location: 4p15.33.
Variant type: single nucleotide variant.
Coding change: c.295G>T on transcript NM_001189.4 (MANE Select); coding-DNA position 295, G replaced by T.
Protein change: p.Glu99Ter; replaces glutamic acid 99 with a stop codon.
Molecular consequence: nonsense.
Genome position (GRCh38, 1-based): chr4:13,544,120, C>A on the plus strand (G>T on the coding strand, the complement: NKX3-2 is on the minus strand). VCF-style: chr4-13544120-C-A. GRCh37 (hg19) VCF-style: chr4-13545744-C-A.
Other names: short protein forms E99*.
Identifiers: ClinVar variation 3620145 (VCV003620145.2).

ClinVar aggregate classification (germline): Pathogenic (1 of 4 stars; one submission).

gnomAD v4.1: 2 of 1,602,246 alleles (0.00012%); highest among the groups gnomAD compares: African/African-American, 0.0013%; no homozygotes.

Submission:

Labcorp Genetics (formerly Invitae), Labcorp
Classification: Pathogenic. Last evaluated: 2025-08-04. Review status: criteria provided, single submitter. Criteria: Invitae Variant Classification Sherloc (09022015). Collection method: clinical testing. Allele origin: germline.
Comment: This sequence change creates a premature translational stop signal (p.Glu99*) in the NKX3-2 gene. It is expected to result in an absent or disrupted protein product. Loss-of-function variants in NKX3-2 are known to be pathogenic (PMID: 20004766). This variant is not present in population databases (gnomAD no frequency). This variant has not been reported in the literature in individuals affected with NKX3-2-related conditions. ClinVar contains an entry for this variant (Variation ID: 3620145). For these reasons, this variant has been classified as Pathogenic.

Literature cited by the submitters: PubMed 20004766.